The following is an entry in ClinVar:

NM_000051.4(ATM):c.3403-15delinsAA

Gene: ATM (ATM serine/threonine kinase; plus strand). Cytogenetic location: 11q22.3.
Variant type: Indel.
Coding change: c.3403-15delinsAA on transcript NM_000051.4 (MANE Select); 15 bases into the intron before coding-DNA position 3403, T replaced by AA.
Molecular consequence: intron variant.
Genome position (GRCh38, 1-based): chr11:108,280,980, T replaced by AA. VCF-style: chr11-108280980-T-AA. GRCh37 (hg19) VCF-style: chr11-108151707-T-AA.
Other names: c.3403-15delinsAA (NM_001351834.2).
Identifiers: ClinVar variation 490531 (VCV000490531.5), dbSNP rs1555091094, ClinGen allele CA658683102.

ClinVar aggregate classification (germline): Conflicting classifications of pathogenicity. Review status: criteria provided, conflicting classifications (1 of 4 stars). 3 submissions from 3 submitters: Uncertain significance (1); Benign (1); Likely benign (1). Last evaluated 2025-07-06.

Conditions:
Hereditary cancer-predisposing syndrome. Also called: Hereditary Cancer Syndrome; Neoplastic Syndromes, Hereditary; Tumor predisposition; Hereditary neoplastic syndrome. Identifiers: Orphanet 140162, MedGen C0027672, MeSH D009386, MONDO:0015356.
Hereditary breast ovarian cancer syndrome. Also called: Breast and ovarian cancer; Hereditary breast and/or ovarian cancer syndrome; Hereditary breast and ovarian cancer; Hereditary breast and ovarian cancer syndrome (HBOC); BRCA1- and BRCA2-Associated Hereditary Breast and Ovarian Cancer; Hereditary breast and ovarian cancer syndrome. Identifiers: Orphanet 145, MedGen C0677776, MeSH D061325, MONDO:0003582. Disease mechanism: loss of function.

Submissions (3):

Molecular Diagnostics Laboratory, Catalan Institute of Oncology
Classification: Uncertain significance for Hereditary cancer-predisposing syndrome. Last evaluated: 2025-07-06. Review status: criteria provided, single submitter. Criteria: ClinGen ACMG Specifications ATM V1.1.0. Collection method: clinical testing. Allele origin: germline.
Comment: - ATM c.3403-15delinsAA is an intronic variant surrounding a homopolymer. Although gnomAD does not offercall this composed variant in any sample, we can observe its presence in the alignments of variants called nearby; accordingly, it is not possible to assign a reliable frequency. Computational tools predict different significant impact on splicing (significant effect by NNsplice; mild effect by MaxEnt; not supported by SpliceAI but similar variants are predicted as no effect). To our knowledge, functional studies have not been reported for this variant. This variant has been reported in ClinVar database (1x benign, 1x as likely benign) and in the LOVD database (1x likely benign). Based on the currently available evidence, c.3403-15delinsAA is classified as an uncertain significance variant according to ClinGen-ATM Guidelines version 1.1.

National Health Laboratory Service, Universitas Academic Hospital and University of the Free State
Classification: Benign for Hereditary breast ovarian cancer syndrome. Last evaluated: 2022-04-19. Review status: criteria provided, single submitter. Criteria: ACMG Guidelines, 2015. Collection method: clinical testing. Allele origin: germline. Affected: yes. Observed: 1 variant allele.

Color Diagnostics, LLC DBA Color Health
Classification: Likely benign for Hereditary cancer-predisposing syndrome. Last evaluated: 2015-07-13. Review status: criteria provided, single submitter. Criteria: ACMG Guidelines, 2015. Collection method: clinical testing. Allele origin: germline.